The following is an entry in ClinVar:

NM_003820.4(TNFRSF14):c.305-364C>A

Gene: TNFRSF14 (TNF receptor superfamily member 14; plus strand). Cytogenetic location: 1p36.32.
Variant type: single nucleotide variant.
Coding change: c.305-364C>A on transcript NM_003820.4 (MANE Select); 364 bases into the intron before coding-DNA position 305, C replaced by A.
Molecular consequence: intron variant.
Genome position (GRCh38, 1-based): chr1:2,559,459, C>A. VCF-style: chr1-2559459-C-A. GRCh37 (hg19) VCF-style: chr1-2490898-C-A.
Other names: c.305-364C>A (NM_001297605.2).
Identifiers: ClinVar variation 133404 (VCV000133404.1), dbSNP rs2257763, ClinGen allele CA156496.

ClinVar aggregate classification (germline): not provided (0 of 4 stars; one submission).

Allele frequency attached by ClinVar (database versions not stated): gnomAD 0.56550; TOPMed 0.58018; ExAC 0.58991; 1000 Genomes Project 30x 0.62008; 1000 Genomes Project 0.64077.
gnomAD v4.1: 729,882 of 1,414,678 alleles (52%); highest among the groups gnomAD compares: African/African-American, 76%; 189,792 homozygotes.

Submission:

ITMI
No classification provided. Condition: AllHighlyPenetrant. Last evaluated: 2013-09-19. Review status: no classification provided. Collection method: reference population. Allele origin: germline.
Comment: Please see associated publication for description of ethnicities

Literature cited by the submitters: PubMed 24728327.